The following is an entry in ClinVar:

NM_001370658.1(BTD):c.250-24A>G

Gene: BTD (biotinidase; plus strand). Cytogenetic location: 3p25.1.
Variant type: single nucleotide variant.
Coding change: c.250-24A>G on transcript NM_001370658.1 (MANE Select); 24 bases into the intron before coding-DNA position 250, A replaced by G.
Molecular consequence: intron variant.
Genome position (GRCh38, 1-based): chr3:15,641,884, A>G. VCF-style: chr3-15641884-A-G. GRCh37 (hg19) VCF-style: chr3-15683391-A-G.
Other names: c.310-24A>G (NM_000060.4); c.250-24A>G (NM_001407365.1, NM_001370752.1, NM_001370753.1 and 36 more transcripts); c.313-24A>G (NM_001407381.1).
Identifiers: ClinVar variation 3053034 (VCV003053034.2), dbSNP rs200235377, ClinGen allele CA2277291.

ClinVar aggregate classification (germline): Likely benign (0 of 4 stars; one submission).

Conditions:
BTD-related disorder. Also called: BTD-related condition.

Allele frequency attached by ClinVar (database versions not stated): ExAC 0.00007; 1000 Genomes Project 30x 0.00016; 1000 Genomes Project 0.00020; gnomAD 0.00025; TOPMed 0.00027; ESP Exome Variant Server 0.00038.
gnomAD v4.1: 65 of 1,532,398 alleles (0.0042%); highest among the groups gnomAD compares: African/African-American, 0.086%; no homozygotes.

Submission:

PreventionGenetics, part of Exact Sciences
Classification: Likely benign for BTD-related condition. Last evaluated: 2019-08-14. Review status: no assertion criteria provided. Collection method: clinical testing. Allele origin: germline.
Comment: This variant is classified as likely benign based on ACMG/AMP sequence variant interpretation guidelines (Richards et al. 2015 PMID: 25741868, with internal and published modifications).